The following is an entry in ClinVar:

ClinVar aggregate classification (germline): Pathogenic/Likely pathogenic. Review status: criteria provided, multiple submitters, no conflicts (2 of 4 stars). 2 submissions from 2 submitters: Pathogenic (1); Likely pathogenic (1). Last evaluated 2026-01-06.

Conditions:
Hereditary cancer-predisposing syndrome. Also called: Neoplastic Syndromes, Hereditary; Tumor predisposition; Hereditary Cancer Syndrome; Hereditary neoplastic syndrome. Identifiers: Orphanet 140162, MedGen C0027672, MeSH D009386, MONDO:0015356.
Tuberous sclerosis 2 (TSC2). Identifiers: Orphanet 805, MedGen C1860707, MONDO:0013199, OMIM 613254.

Submissions (2):

Ambry Genetics
Classification: Likely pathogenic for Hereditary cancer-predisposing syndrome. Last evaluated: 2026-01-06. Review status: criteria provided, single submitter. Criteria: Ambry Variant Classification Scheme 2023. Collection method: clinical testing. Allele origin: germline.
Comment: The c.1443+2T>C intronic variant results from a T to C substitution two nucleotides after coding exon 13 in the TSC2 gene. This variant was reported in individual(s) with features consistent with Tuberous sclerosis complex (Ambry internal data). This variant is considered to be rare based on population cohorts in the Genome Aggregation Database (gnomAD). This nucleotide position is highly conserved in available vertebrate species. In silico splice site analysis predicts that this alteration will weaken the native splice donor site. Alterations that disrupt the canonical splice site are expected to cause aberrant splicing, resulting in an abnormal protein or a transcript that is subject to nonsense-mediated mRNA decay. Based on the majority of available evidence to date, this variant is likely to be pathogenic.

Labcorp Genetics (formerly Invitae), Labcorp
Classification: Pathogenic for Tuberous sclerosis 2. Last evaluated: 2025-10-13. Review status: criteria provided, single submitter. Criteria: Invitae Variant Classification Sherloc (09022015). Collection method: clinical testing. Allele origin: germline.
Comment: This sequence change affects a donor splice site in intron 14 of the TSC2 gene. RNA analysis indicates that disruption of this splice site induces altered splicing and may result in an absent or altered protein product. This variant is not present in population databases (gnomAD no frequency). Disruption of this splice site has been observed in individual(s) with clinical features of tuberous sclerosis complex (PMID: 21520333; internal data). ClinVar contains an entry for this variant (Variation ID: 2107068). Studies have shown that disruption of this splice site results in skipping of exon 14, and produces a non-functional protein and/or introduces a premature termination codon (internal data). For these reasons, this variant has been classified as Pathogenic.

Literature cited by the submitters: PubMed 21520333 (cited by Labcorp Genetics (formerly Invitae), Labcorp).

NM_000548.5(TSC2):c.1443+2T>C

Gene: TSC2 (TSC complex subunit 2; plus strand). Cytogenetic location: 16p13.3.
Variant type: single nucleotide variant.
Coding change: c.1443+2T>C on transcript NM_000548.5 (MANE Select); the canonical splice donor site of the intron after coding-DNA position 1443, T replaced by C.
Molecular consequence: splice donor variant. On other transcripts: intron variant (1).
Genome position (GRCh38, 1-based): chr16:2,063,055, T>C. VCF-style: chr16-2063055-T-C. GRCh37 (hg19) VCF-style: chr16-2113056-T-C.
Other names: c.99+2T>C (NM_001406693.1, NM_001406689.1, NM_001406690.1 and 6 more transcripts); c.1533+2T>C (NM_001406667.1, NM_001406668.1); c.843+2T>C (NM_001406680.1, NM_001406683.1, NM_001406687.1 and 6 more transcripts); c.-160+455T>C (NM_001406698.1); c.1443+2T>C (NM_001114382.3, NM_001406663.1, NM_001406664.1 and 7 more transcripts); c.1431+2T>C (NM_001406671.1, NM_001406673.1); c.981+2T>C (NM_001406681.1); c.1332+2T>C (NM_001406670.1, NM_001318827.2, NM_001406678.1); and 3 more.
Identifiers: ClinVar variation 2107068 (VCV002107068.5), dbSNP rs397515064, ClinGen allele CA394324188.